The following is an entry in ClinVar:

ClinVar aggregate classification (germline): Pathogenic. Review status: criteria provided, single submitter (1 of 4 stars). 2 submissions from 2 submitters: Pathogenic (1). 1 of the submissions does not count toward it. Last evaluated 2019-11-27.

Conditions:
Charcot-Marie-Tooth disease type 4. Also called: Charcot-Marie-Tooth disease, type IV; Charcot-Marie-Tooth, Type 4. Identifiers: Orphanet 64749, MedGen C4082197, MONDO:0018995.
Charcot-Marie-Tooth disease type 4B2. Also called: CHARCOT-MARIE-TOOTH DISEASE, DEMYELINATING, TYPE 4B2; Charcot-Marie-Tooth Neuropathy Type 4B2; CMT 4B2; CHARCOT-MARIE-TOOTH DISEASE, WITH FOCALLY FOLDED MYELIN SHEATHS, AUTOSOMAL RECESSIVE, TYPE 4B2. Identifiers: Orphanet 99956, MedGen C1858278, MONDO:0011475, OMIM 604563.

Allele frequency attached by ClinVar (database versions not stated): gnomAD exomes below 0.00001.
gnomAD v4.1: 2 of 1,614,158 alleles (0.00012%); highest among the groups gnomAD compares: South Asian, 0.0011%; no homozygotes.

Submissions (2):

Labcorp Genetics (formerly Invitae), Labcorp
Classification: Pathogenic for Charcot-Marie-Tooth disease type 4. Last evaluated: 2019-11-27. Review status: criteria provided, single submitter. Criteria: Invitae Variant Classification Sherloc (09022015). Collection method: clinical testing. Allele origin: germline.
Comment: For these reasons, this variant has been classified as Pathogenic. Loss-of-function variants in SBF2 are known to be pathogenic (PMID: 25873783, 12687498). This variant has been observed in individual(s) with Charcot-Marie-Tooth disease (PMID: 12687498). It has also been observed to segregate with disease in related individuals. ClinVar contains an entry for this variant (Variation ID: 2911). This variant is not present in population databases (ExAC no frequency). This sequence change creates a premature translational stop signal (p.Arg1196*) in the SBF2 gene. It is expected to result in an absent or disrupted protein product.

OMIM
Classification: Pathogenic for CHARCOT-MARIE-TOOTH DISEASE, DEMYELINATING, TYPE 4B2, WITH EARLY-ONSET GLAUCOMA. Last evaluated: 2003-05-01. Review status: no assertion criteria provided. Collection method: literature only. Allele origin: germline. Not counted in ClinVar's aggregate classification.

Literature cited by the submitters: PubMed 25873783 (cited by Labcorp Genetics (formerly Invitae), Labcorp); PubMed 12687498 (cited by Labcorp Genetics (formerly Invitae), Labcorp and OMIM).

NM_030962.4(SBF2):c.3586C>T (p.Arg1196Ter)

Gene: SBF2 (SET binding factor 2; minus strand). Cytogenetic location: 11p15.4.
Variant type: single nucleotide variant.
Coding change: c.3586C>T on transcript NM_030962.4 (MANE Select); coding-DNA position 3586, C replaced by T.
Protein change: p.Arg1196Ter; replaces arginine 1196 with a stop codon.
Molecular consequence: nonsense.
Genome position (GRCh38, 1-based): chr11:9,832,290, G>A on the plus strand (C>T on the coding strand, the complement: SBF2 is on the minus strand). VCF-style: chr11-9832290-G-A. GRCh37 (hg19) VCF-style: chr11-9853837-G-A.
Other names: c.3586C>T, p.Arg1196Ter (NM_001386339.1); c.3457C>T, p.Arg1153Ter (NM_001386342.1); short protein forms R1196*, R1153*.
Identifiers: ClinVar variation 2911 (VCV000002911.13), dbSNP rs120074138, ClinGen allele CA115865.